The following is an entry in ClinVar:

NM_003709.4(KLF7):c.410C>T (p.Thr137Met)

Gene: KLF7 (KLF transcription factor 7; minus strand). Cytogenetic location: 2q33.3.
Variant type: single nucleotide variant.
Coding change: c.410C>T on transcript NM_003709.4 (MANE Select); coding-DNA position 410, C replaced by T.
Protein change: p.Thr137Met; replaces threonine 137 with methionine.
Molecular consequence: missense variant.
Genome position (GRCh38, 1-based): chr2:207,124,097, G>A on the plus strand (C>T on the coding strand, the complement: KLF7 is on the minus strand). VCF-style: chr2-207124097-G-A. GRCh37 (hg19) VCF-style: chr2-207988821-G-A.
Other names: c.410C>T (NM_003709.3); c.410C>T, p.Thr137Met (NM_001270942.1); c.311C>T, p.Thr104Met (NM_001270943.2); c.326C>T, p.Thr109Met (NM_001270944.2); short protein forms T104M, T109M, T137M.
Identifiers: ClinVar variation 986255 (VCV000986255.24), dbSNP rs1276619385, ClinGen allele CA350157588.

ClinVar aggregate classification (germline): Conflicting classifications of pathogenicity. Review status: criteria provided, conflicting classifications (1 of 4 stars). 10 submissions from 10 submitters: Pathogenic (2); Likely pathogenic (6); Uncertain significance (2). Last evaluated 2026-01-28.

Conditions:
Intellectual disability. Also called: Intellectual developmental disorder; intellectual disabilities; Intellectual functioning disability. Identifiers: MedGen C3714756, MeSH D008607, MONDO:0001071, HP:0001249.
Anxiety. Also called: Anxiety-related personality traits. Identifiers: MedGen C0003467, MONDO:0011918, OMIM 607834, HP:0000739.
Inborn genetic diseases. Identifiers: MedGen C0950123, MeSH D030342.
KLF7-related neurodevelopmental disorder.
Delayed gross motor development. Identifiers: MedGen C1837658, HP:0002194.
Mild expressive language delay. Identifiers: MedGen C3532934, HP:0011346.
KLF7-related disorder.
Neurodevelopmental disorder. Identifiers: MedGen C1535926, MeSH D065886, MONDO:0700092.

Allele frequency attached by ClinVar (database versions not stated): gnomAD exomes below 0.00001.
gnomAD v4.1: 3 of 1,614,186 alleles (0.00019%); highest among the groups gnomAD compares: Admixed American, 0.0017%; no homozygotes.

Submissions (10):

3billion
Classification: Likely pathogenic for KLF7-related disorder. Last evaluated: 2026-01-28. Review status: criteria provided, single submitter. Criteria: ACMG Guidelines, 2015. Collection method: clinical testing. Allele origin: germline. Affected: yes.
Comment: The variant is observed at an extremely low frequency in the gnomAD v4.1.0 dataset (total allele frequency: <0.001%). Predicted Consequence/Location: Missense variant Damaging effect on gene or gene product predicted by in silico programs is uncertain [REVEL: 0.41 (damaging >=0.6, benign <0.4), 3Cnet: 0.09 (damaging >0.75, benign <0.1)]. The same nucleotide change resulting in the same amino acid change has been previously reported as pathogenic/likely pathogenic with strong evidence (ClinVar ID: VCV000986255). The variant has been previously reported as de novo in at least two similarly affected unrelated individuals (PMID: 29251763). The variant has been observed in at least two similarly affected unrelated individuals (PMID: 29251763). Therefore, this variant is classified as Likely pathogenic according to the recommendation of ACMG/AMP guideline.

CeGaT Center for Human Genetics Tuebingen
Classification: Uncertain significance. Last evaluated: 2025-10-01. Review status: criteria provided, single submitter. Criteria: CeGaT Center For Human Genetics Tuebingen Variant Classification Criteria Version 2. Collection method: clinical testing. Allele origin: germline. Affected: yes. Observed: 1 variant allele.
Comment: KLF7: PS2, PS4:Supporting

Greenwood Genetic Center Diagnostic Laboratories, Greenwood Genetic Center
Classification: Uncertain significance for KLF7-related disorder. Last evaluated: 2025-02-07. Review status: criteria provided, single submitter. Criteria: ACMG Guidelines, 2015. Collection method: clinical testing. Allele origin: germline. Affected: yes.
Comment: PS2, BS2, PP3

Victorian Clinical Genetics Services, Murdoch Childrens Research Institute
Classification: Likely pathogenic for Neurodevelopmental disorder. Last evaluated: 2024-09-22. Review status: criteria provided, single submitter. Criteria: ACMG Guidelines, 2015. Collection method: clinical testing. Allele origin: germline. Inheritance: Autosomal dominant inheritance. Affected: yes.
Comment: Based on the classification scheme VCGS_Germline_v1.3.4, this variant is classified as Likely Pathogenic. Following criteria are met: 0105 - The mechanism of disease for this gene is not clearly established. Mice deficient in KLF7 had neonatal death and and widespread neurological defects suggesting loss of function, while missense variants at important residues in the CPD motif were show to create a more stable protein that could not be phosphorylated or ubiquitylated suggesting gain of function (PMID: 30838725). (I) 0107 - This gene is associated with autosomal dominant disease. (I) 0200 - Variant is predicted to result in a missense amino acid change from threonine to methionine. (I) 0251 - This variant is heterozygous. (I) 0302 - Variant is present in gnomAD (v2) <0.001 for a dominant condition (1 heterozygote, 0 homozygotes). (SP) 0502 - Missense variant with conflicting in silico predictions and uninformative conservation. (I) 0601 - Variant is located in the well-established functional CPD motif and affects the conserved Thr residue. Functional studies in HEK293T cells showed that a mutant KLF7 with both p.(Thr137Ala) and p.(Ser141Ala) could not be phosphorylated or ubiquitylated leading to a more stable protein (PMID: 30838725). (SP) 0705 - No comparable missense variants have previous evidence for pathogenicity. (I) 0801 - This variant has strong previous evidence of pathogenicity in unrelated individuals. This variant has been reported in at least five de novo individuals with KLF7-related disorders (DECIPHER, PMID: 29251763). Additional pathogenic, likely pathogenic and VUS cases have also been reported in ClinVar. (SP) 0905 - No published segregation evidence has been identified for this variant. (I) 1007 - No published functional evidence has been identified for this variant. (I) 1208 - Inheritance information for this variant is not currently available in this individual. (I) Legend: (SP) - Supporting pathogenic, (I) - Information, (SB) - Supporting benign

Blueprint Genetics
Classification: Likely pathogenic for KLF7-related disorders. Last evaluated: 2024-05-06. Review status: criteria provided, single submitter. Criteria: ACMG Guidelines, 2015. Collection method: clinical testing. Allele origin: germline. Affected: yes. Observed: 2 variant alleles.

Ambry Genetics
Classification: Pathogenic for Inborn genetic diseases. Last evaluated: 2024-04-04. Review status: criteria provided, single submitter. Criteria: Ambry Variant Classification Scheme 2023. Collection method: clinical testing. Allele origin: germline.
Comment: The c.410C>T (p.T137M) alteration is located in exon 2 (coding exon 2) of the KLF7 gene. This alteration results from a C to T substitution at nucleotide position 410, causing the threonine (T) at amino acid position 137 to be replaced by a methionine (M). Based on data from gnomAD, the T allele has an overall frequency of <0.001% (1/251442) total alleles studied. The highest observed frequency was 0.003% (1/34588) of Latino alleles. This variant has been determined to be the result of a de novo mutation in multiple individuals with similar features such as developmental delay, motor delay, speech delay, gait disturbances, and dysmorphic features (Powis, 2018; DECIPHER; External communication). This amino acid position is highly conserved in available vertebrate species. The in silico prediction for this alteration is inconclusive. Based on the available evidence, this alteration is classified as pathogenic.

Institute of Human Genetics, University of Leipzig Medical Center
Classification: Likely pathogenic for Delayed gross motor development; Mild expressive language delay. Last evaluated: 2023-01-25. Review status: criteria provided, single submitter. Criteria: ACMG Guidelines, 2015. Collection method: clinical testing. Allele origin: de novo. Affected: yes.
Comment: This variant was identified as de novo (maternity and paternity confirmed)._x000D_ Criteria applied: PS2_STR, PS4_SUP, PP3

Equipe Genetique des Anomalies du Developpement, Université de Bourgogne
Classification: Likely pathogenic for Intellectual disability; Anxiety. Last evaluated: 2022-07-08. Review status: criteria provided, single submitter. Criteria: ACMG Guidelines, 2015. Collection method: clinical testing. Allele origin: de novo. Affected: yes.
Comment: Gene is not yet OMIM morbid, but a first cohort is published PMID : 29251763

Baylor Genetics
Classification: Likely pathogenic for KLF7-related neurodevelopmental disorder. Last evaluated: 2022-05-10. Review status: criteria provided, single submitter. Criteria: ACMG Guidelines, 2015. Collection method: clinical testing. Allele origin: unknown.

Labcorp Genetics (formerly Invitae), Labcorp
Classification: Pathogenic. Last evaluated: 2021-05-05. Review status: criteria provided, single submitter. Criteria: Invitae Variant Classification Sherloc (09022015). Collection method: clinical testing. Allele origin: germline.
Comment: For these reasons, this variant has been classified as Pathogenic. Algorithms developed to predict the effect of missense changes on protein structure and function (SIFT, PolyPhen-2, Align-GVGD) all suggest that this variant is likely to be disruptive, but these predictions have not been confirmed by published functional studies and their clinical significance is uncertain. This variant has been observed in individual(s) with a neurodevelopmental condition (PMID: 29251763, Invitae). In at least one individual the variant was observed to be de novo. This sequence change replaces threonine with methionine at codon 137 of the KLF7 protein (p.Thr137Met). The threonine residue is highly conserved and there is a moderate physicochemical difference between threonine and methionine.

Literature cited by the submitters: PubMed 29251763 (cited by 4 submitters); PubMed 30838725 (cited by Victorian Clinical Genetics Services, Murdoch Childrens Research Institute); PubMed 17434132 (cited by Ambry Genetics); PubMed 18094723 (cited by Ambry Genetics).